The following is an entry in ClinVar:

NM_001267550.2(TTN):c.68527+10_68527+12del

Genes: TTN (titin; minus strand), TTN-AS1 (TTN antisense RNA 1; plus strand). Cytogenetic location: 2q31.2.
Variant type: Deletion.
Coding change: c.68527+10_68527+12del on transcript NM_001267550.2 (MANE Select); bases 10 to 12 of the intron after coding-DNA position 68527, 3 bases deleted (TAT; older notation c.68527+10_68527+12delTAT).
Molecular consequence: intron variant.
Genome position (GRCh38, 1-based): chr2:178,577,976-178,577,978, ATA deleted on the plus strand (TAT on the coding strand, the reverse complement: TTN is on the minus strand); deleting any 3 consecutive bases within chr2:178,577,976-178,577,980 gives the same sequence; the c. name uses the placement nearest the transcript's 3' end. VCF-style (leftmost placement, unchanged base first): chr2-178577975-TATA-T. GRCh37 (hg19) VCF-style: chr2-179442702-TATA-T.
Other names: c.63604+10_63604+12delTAT (NM_001256850.1); c.41332+10_41332+12del (NM_003319.4); c.41908+10_41908+12del (NM_133437.4); c.41707+10_41707+12del (NM_133432.3); c.60823+10_60823+12del (NM_133378.4); c.63604+10_63604+12del (NM_001256850.1).
Identifiers: ClinVar variation 516000 (VCV000516000.10), dbSNP rs762941263, ClinGen allele CA1991088.
Genomic context (GRCh38, chr2:178,577,975, plus strand): 5'-AAACCAGTCAAACAAATACCAGTTTTCTTCATGTAAAACATGCACCTGGGTTTTTCTTCA[TATA>T]ATGACTTACCAATTGGGTCCAGTGCCACAACAGGCTCTGATGGTAGGCTTGGCTTGCCCA-3'

ClinVar aggregate classification (germline): Likely benign. Review status: criteria provided, multiple submitters, no conflicts (2 of 4 stars). 2 submissions from 2 submitters: Likely benign (2). Last evaluated 2024-02-22.

Conditions:
Autosomal recessive limb-girdle muscular dystrophy type 2J (LGMDR10). Also called: MUSCULAR DYSTROPHY, LIMB-GIRDLE, AUTOSOMAL RECESSIVE 10; Limb-girdle muscular dystrophy, type 2J. Identifiers: Orphanet 140922, MedGen C1837342, MONDO:0012127, OMIM 608807.
Dilated cardiomyopathy 1G (CMD1G). Identifiers: Orphanet 154, MedGen C1858763, MONDO:0011400, OMIM 604145.

Submissions (2):

Labcorp Genetics (formerly Invitae), Labcorp
Classification: Likely benign for Dilated cardiomyopathy 1G; Autosomal recessive limb-girdle muscular dystrophy type 2J. Last evaluated: 2024-02-22. Review status: criteria provided, single submitter. Criteria: Invitae Variant Classification Sherloc (09022015). Collection method: clinical testing. Allele origin: germline.

GeneDx
Classification: Likely benign. Last evaluated: 2018-03-05. Review status: criteria provided, single submitter. Criteria: GeneDx Variant Classification (06012015). Collection method: clinical testing. Allele origin: germline. Affected: yes.
Comment: This variant is considered likely benign or benign based on one or more of the following criteria: it is a conservative change, it occurs at a poorly conserved position in the protein, it is predicted to be benign by multiple in silico algorithms, and/or has population frequency not consistent with disease.